The following is an entry in ClinVar:

ClinVar aggregate classification (germline): Uncertain significance (1 of 4 stars; one submission).

gnomAD v4.1: 3 of 1,613,316 alleles (0.00019%); highest among the groups gnomAD compares: Non-Finnish European, 0.00025%; no homozygotes.

Submission:

Labcorp Genetics (formerly Invitae), Labcorp
Classification: Uncertain significance. Last evaluated: 2024-08-12. Review status: criteria provided, single submitter. Criteria: Invitae Variant Classification Sherloc (09022015). Collection method: clinical testing. Allele origin: germline.
Comment: This sequence change replaces isoleucine, which is neutral and non-polar, with methionine, which is neutral and non-polar, at codon 370 of the EXOC6B protein (p.Ile370Met). This variant is present in population databases (rs758083040, gnomAD 0.002%). This variant has not been reported in the literature in individuals affected with EXOC6B-related conditions. ClinVar contains an entry for this variant (Variation ID: 1897940). Experimental studies and prediction algorithms are not available or were not evaluated, and the functional significance of this variant is currently unknown. In summary, the available evidence is currently insufficient to determine the role of this variant in disease. Therefore, it has been classified as a Variant of Uncertain Significance.

NM_015189.3(EXOC6B):c.1110T>G (p.Ile370Met)

Gene: EXOC6B (exocyst complex component 6B; minus strand). Cytogenetic location: 2p13.2.
Variant type: single nucleotide variant.
Coding change: c.1110T>G on transcript NM_015189.3 (MANE Select); coding-DNA position 1110, T replaced by G.
Protein change: p.Ile370Met; replaces isoleucine 370 with methionine.
Molecular consequence: missense variant. On other transcripts: non-coding transcript variant (2).
Genome position (GRCh38, 1-based): chr2:72,513,189, A>C on the plus strand (T>G on the coding strand, the complement: EXOC6B is on the minus strand). VCF-style: chr2-72513189-A-C. GRCh37 (hg19) VCF-style: chr2-72740318-A-C.
Other names: c.1110T>G, p.Ile370Met (NM_001321729.2, NM_001321730.2, NM_001321731.2 and 1 more transcripts); c.771T>G, p.Ile257Met (NM_001321734.2); short protein forms I257M, I370M.
Identifiers: ClinVar variation 1897940 (VCV001897940.5), dbSNP rs758083040, ClinGen allele CA1708545.
Genomic context (GRCh38, chr2:72,513,189, plus strand): 5'-TACCGAGTGGGTACGGAGTGCTGCGATGGTTTTTGAAAGTGCCATTTCCCACAGTTCATC[A>C]ATGTAGGCTCTATTTACTAAGCCCTGGGTTGTATGTAAAATGTGATCTTCAACCACAAAA-3'
Protein context (NP_056004.1, residues 360-380): TTQGLVNRAY[Ile370Met]DELWEMALSK